The following is an entry in ClinVar:

ClinVar aggregate classification (germline): Uncertain significance (1 of 4 stars; one submission).

Submission:

Labcorp Genetics (formerly Invitae), Labcorp
Classification: Uncertain significance. Last evaluated: 2023-08-29. Review status: criteria provided, single submitter. Criteria: Invitae Variant Classification Sherloc (09022015). Collection method: clinical testing. Allele origin: germline.
Comment: In summary, the available evidence is currently insufficient to determine the role of this variant in disease. Therefore, it has been classified as a Variant of Uncertain Significance. Advanced modeling of protein sequence and biophysical properties (such as structural, functional, and spatial information, amino acid conservation, physicochemical variation, residue mobility, and thermodynamic stability) performed at Invitae indicates that this missense variant is expected to disrupt TUBB2A protein function. This variant has not been reported in the literature in individuals affected with TUBB2A-related conditions. This variant is not present in population databases (gnomAD no frequency). This sequence change replaces aspartic acid, which is acidic and polar, with tyrosine, which is neutral and polar, at codon 74 of the TUBB2A protein (p.Asp74Tyr).

NM_001069.3(TUBB2A):c.220G>T (p.Asp74Tyr)

Gene: TUBB2A (tubulin beta 2A class IIa; minus strand). Cytogenetic location: 6p25.2.
Variant type: single nucleotide variant.
Coding change: c.220G>T on transcript NM_001069.3 (MANE Select); coding-DNA position 220, G replaced by T.
Protein change: p.Asp74Tyr; replaces aspartic acid 74 with tyrosine.
Molecular consequence: missense variant. On other transcripts: 5 prime UTR variant (1).
Genome position (GRCh38, 1-based): chr6:3,155,682, C>A on the plus strand (G>T on the coding strand, the complement: TUBB2A is on the minus strand). VCF-style: chr6-3155682-C-A. GRCh37 (hg19) VCF-style: chr6-3155916-C-A.
Other names: c.-168G>T (NM_001310315.2); short protein forms D74Y.
Identifiers: ClinVar variation 2756291 (VCV002756291.3), dbSNP rs11550262, ClinGen allele CA362593250.